The following is an entry in ClinVar:

ClinVar aggregate classification (germline): Benign (1 of 4 stars; one submission).

Conditions:
Ehlers-Danlos syndrome, classic type (cEDS). Identifiers: Orphanet 287, MedGen C4225429, MONDO:0007522.

Allele frequency attached by ClinVar (database versions not stated): gnomAD 0.00005 and 0.00056; TOPMed 0.00014; 1000 Genomes Project 0.00379; 1000 Genomes Project 30x 0.00406.
gnomAD v4.1: 840 of 531,920 alleles (0.16%); highest among the groups gnomAD compares: South Asian, 1.7%; 16 homozygotes.

Submission:

Illumina Laboratory Services, Illumina
Classification: Benign for Ehlers-Danlos syndrome, classic type, 1. Last evaluated: 2018-01-12. Review status: criteria provided, single submitter. Criteria: ICSL Variant Classification Criteria 13 December 2019. Collection method: clinical testing. Allele origin: germline.
Comment: This variant was observed in the ICSL laboratory as part of a predisposition screen in an ostensibly healthy population. It had not been previously curated by ICSL or reported in the Human Gene Mutation Database (HGMD: prior to June 1st, 2018), and was therefore a candidate for classification through an automated scoring system. Utilizing variant allele frequency, disease prevalence and penetrance estimates, and inheritance mode, an automated score was calculated to assess if this variant is too frequent to cause the disease. Based on the score and internal cut-off values, a variant classified as benign is not then subjected to further curation. The score for this variant resulted in a classification of benign for this disease.

NM_000093.5(COL5A1):c.*302C>G

Genes: COL5A1 (collagen type V alpha 1 chain; plus strand), LOC101448202 (uncharacterized LOC101448202; minus strand). Cytogenetic location: 9q34.3.
Variant type: single nucleotide variant.
Coding change: c.*302C>G on transcript NM_000093.5 (MANE Select); 302 bases downstream of the stop codon, C replaced by G.
Molecular consequence: 3 prime UTR variant.
Genome position (GRCh38, 1-based): chr9:134,842,605, C>G. VCF-style: chr9-134842605-C-G. GRCh37 (hg19) VCF-style: chr9-137734451-C-G.
Other names: c.*302C>G (NM_001278074.1).
Identifiers: ClinVar variation 365749 (VCV000365749.7), dbSNP rs376087882, ClinGen allele CA10626817.